The following is an entry in ClinVar:

ClinVar aggregate classification (germline): Uncertain significance. Review status: criteria provided, multiple submitters, no conflicts (2 of 4 stars). 3 submissions from 3 submitters: Uncertain significance (3). Last evaluated 2025-12-10.

Conditions:
RIMS1-related disorder. Also called: RIMS1-related condition.

Allele frequency attached by ClinVar (database versions not stated): ExAC 0.00001; gnomAD 0.00002; TOPMed 0.00004; gnomAD exomes 0.00005; ESP Exome Variant Server 0.00008.
gnomAD v4.1: 70 of 1,611,456 alleles (0.0043%); highest among the groups gnomAD compares: Non-Finnish European, 0.0056%; no homozygotes.

Submissions (3):

PreventionGenetics, part of Exact Sciences
Classification: Uncertain significance for RIMS1-related condition. Last evaluated: 2025-12-10. Review status: criteria provided, single submitter. Criteria: ACMG Guidelines, 2015. Collection method: clinical testing. Allele origin: germline.
Comment: The RIMS1 c.2771-2A>G variant is predicted to disrupt the AG splice acceptor site and interfere with normal splicing. To our knowledge, this variant has not been reported in the literature. This variant is reported in 0.0032% of alleles in individuals of European (non-Finnish) descent in gnomAD. Loss of function variants in RIMS1 are not an established mechanism of disease. At this time, the clinical significance of this variant is uncertain due to the absence of conclusive functional and genetic evidence.

Labcorp Genetics (formerly Invitae), Labcorp
Classification: Uncertain significance. Last evaluated: 2024-11-27. Review status: criteria provided, single submitter. Criteria: Invitae Variant Classification Sherloc (09022015). Collection method: clinical testing. Allele origin: germline.
Comment: This sequence change affects an acceptor splice site in intron 16 of the RIMS1 gene. It is expected to disrupt RNA splicing. Variants that disrupt the donor or acceptor splice site typically lead to a loss of protein function (PMID: 16199547), however the current clinical and genetic evidence is not sufficient to establish whether loss-of-function variants in RIMS1 cause disease. This variant is present in population databases (rs373560681, gnomAD 0.003%). This variant has not been reported in the literature in individuals affected with RIMS1-related conditions. ClinVar contains an entry for this variant (Variation ID: 2980690). Algorithms developed to predict the effect of sequence changes on RNA splicing suggest that this variant may disrupt the consensus splice site. In summary, the available evidence is currently insufficient to determine the role of this variant in disease. Therefore, it has been classified as a Variant of Uncertain Significance.

Blueprint Genetics
Classification: Uncertain significance. Last evaluated: 2024-11-06. Review status: criteria provided, single submitter. Criteria: ACMG Guidelines, 2015. Collection method: clinical testing. Allele origin: germline.

Literature cited by the submitters: PubMed 16199547 (cited by Labcorp Genetics (formerly Invitae), Labcorp).

NM_014989.7(RIMS1):c.2771-2A>G

Gene: RIMS1 (regulating synaptic membrane exocytosis 1; plus strand). Cytogenetic location: 6q13.
Variant type: single nucleotide variant.
Coding change: c.2771-2A>G on transcript NM_014989.7 (MANE Select); the canonical splice acceptor site of the intron before coding-DNA position 2771, A replaced by G.
Molecular consequence: splice acceptor variant. On other transcripts: intron variant (31).
Genome position (GRCh38, 1-based): chr6:72,258,123, A>G. VCF-style: chr6-72258123-A-G. GRCh37 (hg19) VCF-style: chr6-72967826-A-G.
Other names: c.2771-2A>G (NM_014989.5); c.1124-2A>G (NM_001350428.2, NM_001350459.2, NM_001350424.2 and 1 more transcripts); c.1124-5A>G (NM_001350437.2, NM_001350430.2, NM_001350421.2 and 2 more transcripts); c.1193-2A>G (NM_001350458.2, NM_001350433.2, NM_001350446.2 and 15 more transcripts); c.1193-5A>G (NM_001350436.2, NM_001350434.2, NM_001350418.2 and 19 more transcripts); c.950-2A>G (NM_001350469.2, NM_001168409.2, NM_001350466.2 and 3 more transcripts); c.950-5A>G (NM_001350461.2, NM_001350463.2, NM_001350468.2); c.1148-2A>G (NM_001350470.2, NM_001168410.2, NM_001350473.2 and 1 more transcripts); and 1 more.
Identifiers: ClinVar variation 2980690 (VCV002980690.7), dbSNP rs373560681, ClinGen allele CA3886030.